The following is an entry in ClinVar:

NM_001139.3(ALOX12B):c.1625_1626del (p.Lys542fs)

Gene: ALOX12B (arachidonate 12-lipoxygenase, 12R type; minus strand). Cytogenetic location: 17p13.1.
Variant type: Deletion.
Coding change: c.1625_1626del on transcript NM_001139.3 (MANE Select); coding-DNA positions 1625 to 1626, 2 bases deleted (AA; older notation c.1625_1626delAA).
Protein change: p.Lys542fs; shifts the reading frame from lysine 542.
Molecular consequence: frameshift variant.
Genome position (GRCh38, 1-based): chr17:8,075,623-8,075,624, TT deleted on the plus strand (AA on the coding strand, the reverse complement: ALOX12B is on the minus strand); deleting any 2 consecutive bases within chr17:8,075,623-8,075,625 gives the same sequence; the c. name uses the placement nearest the transcript's 3' end. VCF-style (leftmost placement, unchanged base first): chr17-8075622-CTT-C. GRCh37 (hg19) VCF-style: chr17-7978940-CTT-C.
Other names: short protein forms K542fs.
Identifiers: ClinVar variation 1526047 (VCV001526047.3), dbSNP rs745366046, ClinGen allele CA8367244.

ClinVar aggregate classification (germline): Pathogenic. Review status: criteria provided, multiple submitters, no conflicts (2 of 4 stars). 2 submissions from 2 submitters: Pathogenic (2). Last evaluated 2024-07-25.

Conditions:
Autosomal recessive congenital ichthyosis 2 (ARCI2). Identifiers: Orphanet 281122, Orphanet 79394, MedGen C3888093, MONDO:0009439, OMIM 242100.

Submissions (2):

Labcorp Genetics (formerly Invitae), Labcorp
Classification: Pathogenic. Last evaluated: 2024-07-25. Review status: criteria provided, single submitter. Criteria: Invitae Variant Classification Sherloc (09022015). Collection method: clinical testing. Allele origin: germline.
Comment: This sequence change creates a premature translational stop signal (p.Lys542Argfs*13) in the ALOX12B gene. It is expected to result in an absent or disrupted protein product. Loss-of-function variants in ALOX12B are known to be pathogenic (PMID: 16116617, 23621129, 31046801). This variant is present in population databases (rs745366046, gnomAD 0.03%). This premature translational stop signal has been observed in individual(s) with autosomal recessive congenital ichthyosis (PMID: 19131948, 35186387). ClinVar contains an entry for this variant (Variation ID: 1526047). For these reasons, this variant has been classified as Pathogenic.

3billion
Classification: Pathogenic for Autosomal recessive congenital ichthyosis 2. Last evaluated: 2022-03-22. Review status: criteria provided, single submitter. Criteria: ACMG Guidelines, 2015. Collection method: clinical testing. Allele origin: germline. Affected: yes. Observed: 1 homozygote.
Comment: Frameshift: predicted to result in a loss or disruption of normal protein function through nonsense-mediated decay (NMD) or protein truncation. Multiple pathogenic variants are reported downstream of the variant. This variant has been reported to be associated with ALOX12B related disorder (PMID:19131948). The variant is observed at an extremely low frequency in the gnomAD v2.1.1 dataset (total allele frequency: 0.0000318). Therefore, this variant is classified as pathogenic according to the recommendation of ACMG/AMP guideline.

Literature cited by the submitters: PubMed 16116617 (cited by Labcorp Genetics (formerly Invitae), Labcorp); PubMed 23621129 (cited by Labcorp Genetics (formerly Invitae), Labcorp); PubMed 31046801 (cited by Labcorp Genetics (formerly Invitae), Labcorp); PubMed 19131948 (cited by Labcorp Genetics (formerly Invitae), Labcorp and 3billion); PubMed 35186387 (cited by Labcorp Genetics (formerly Invitae), Labcorp).